The following is an entry in ClinVar:

ClinVar aggregate classification (germline): Uncertain significance (1 of 4 stars; one submission).

Allele frequency attached by ClinVar (database versions not stated): gnomAD exomes below 0.00001.
gnomAD v4.1: 1 of 1,555,648 alleles (0.000064%); highest among the groups gnomAD compares: Admixed American, 0.002%; no homozygotes.

Submission:

Labcorp Genetics (formerly Invitae), Labcorp
Classification: Uncertain significance. Last evaluated: 2023-09-19. Review status: criteria provided, single submitter. Criteria: Invitae Variant Classification Sherloc (09022015). Collection method: clinical testing. Allele origin: germline.
Comment: In summary, the available evidence is currently insufficient to determine the role of this variant in disease. Therefore, it has been classified as a Variant of Uncertain Significance. An algorithm developed to predict the effect of missense changes on protein structure and function (PolyPhen-2) suggests that this variant is likely to be tolerated. This variant has not been reported in the literature in individuals affected with RELB-related conditions. This variant is not present in population databases (gnomAD no frequency). This sequence change replaces cysteine, which is neutral and slightly polar, with serine, which is neutral and polar, at codon 109 of the RELB protein (p.Cys109Ser).

NM_006509.4(RELB):c.325T>A (p.Cys109Ser)

Gene: RELB (RELB proto-oncogene, NF-kB subunit; plus strand). Cytogenetic location: 19q13.32.
Variant type: single nucleotide variant.
Coding change: c.325T>A on transcript NM_006509.4 (MANE Select); coding-DNA position 325, T replaced by A.
Protein change: p.Cys109Ser; replaces cysteine 109 with serine.
Molecular consequence: missense variant.
Genome position (GRCh38, 1-based): chr19:45,012,097, T>A. VCF-style: chr19-45012097-T-A. GRCh37 (hg19) VCF-style: chr19-45515355-T-A.
Other names: c.316T>A, p.Cys106Ser (NM_001411087.1); short protein forms C109S, C106S.
Identifiers: ClinVar variation 2990721 (VCV002990721.3), dbSNP rs1971367749, ClinGen allele CA406322117.